The following is an entry in ClinVar:

NM_014391.3(ANKRD1):c.208-16C>T

Gene: ANKRD1 (ankyrin repeat domain 1; minus strand). Cytogenetic location: 10q23.31.
Variant type: single nucleotide variant.
Coding change: c.208-16C>T on transcript NM_014391.3 (MANE Select); 16 bases into the intron before coding-DNA position 208, C replaced by T.
Molecular consequence: intron variant.
Genome position (GRCh38, 1-based): chr10:90,919,284, G>A on the plus strand (C>T on the coding strand, the complement: ANKRD1 is on the minus strand). VCF-style: chr10-90919284-G-A. GRCh37 (hg19) VCF-style: chr10-92679041-G-A.
Identifiers: ClinVar variation 136401 (VCV000136401.18), dbSNP rs79793575, ClinGen allele CA333050.

ClinVar aggregate classification (germline): Benign. Review status: criteria provided, multiple submitters, no conflicts (2 of 4 stars). 7 submissions from 7 submitters: Benign (4). 3 of the submissions do not count toward it. Last evaluated 2026-01-25.

Conditions:
Congenital total pulmonary venous return anomaly (TAPVR1). Also called: TOTAL ANOMALOUS PULMONARY VENOUS RETURN 1; Total anomalous pulmonary venous return. Identifiers: Orphanet 99125, MedGen C4551903, MONDO:0007130, OMIM 106700, HP:0005160.
ANKRD1-related dilated cardiomyopathy. Identifiers: MedGen CN119551.

Allele frequency attached by ClinVar (database versions not stated): ESP Exome Variant Server 0.00008; gnomAD exomes 0.00155 and 0.00530; gnomAD 0.00161 and 0.00226; TOPMed 0.00286; ExAC 0.00505; 1000 Genomes Project 30x 0.01062; 1000 Genomes Project 0.01198.
gnomAD v4.1: 2,616 of 1,593,276 alleles (0.16%); highest among the groups gnomAD compares: East Asian, 4.8%; 74 homozygotes.

Submissions (7):

Labcorp Genetics (formerly Invitae), Labcorp
Classification: Benign for ANKRD1-related dilated cardiomyopathy. Last evaluated: 2026-01-25. Review status: criteria provided, single submitter. Criteria: Invitae Variant Classification Sherloc (09022015). Collection method: clinical testing. Allele origin: germline.

Women's Health and Genetics/Laboratory Corporation of America, LabCorp
Classification: Benign. Last evaluated: 2017-07-31. Review status: criteria provided, single submitter. Criteria: LabCorp Variant Classification Summary - May 2015. Collection method: clinical testing. Allele origin: germline.
Comment: Variant summary: The ANKRD1 c.208-16C>T variant involves the alteration of a non-conserved intronic nucleotide. Mutation taster predicts a benign outcome for this variant. 5/5 splice prediction tools predict no significant impact on normal splicing. However, these predictions have yet to be confirmed by functional studies. This variant was found in 547/108416 control chromosomes (19 homozygotes), predominantly observed in the East Asian subpopulation at a frequency of 0.067417 (509/7550; 18 homozygotes). This frequency is about 1961 times the estimated maximal expected allele frequency of a pathogenic ANKRD1 variant (0.0000344), suggesting this is likely a benign polymorphism found primarily in the populations of East Asian origin. In addition, one clinical diagnostic laboratory has classified this variant as benign. It has also been published as a polymorphism in the literature (Arimura_2009). Taken together, this variant is classified as benign.

Clinical Genetics DNA and cytogenetics Diagnostics Lab, Erasmus MC, Erasmus Medical Center
Classification: Benign for Congenital total pulmonary venous return anomaly. Last evaluated: 2015-09-21. Review status: criteria provided, single submitter. Criteria: ACGS Guidelines, 2013. Collection method: clinical testing. Allele origin: germline. Affected: yes. Study: VKGL Data-share Consensus.

GeneDx
Classification: Benign. Last evaluated: 2014-04-15. Review status: criteria provided, single submitter. Criteria: GeneDx Variant Classification (06012015). Collection method: clinical testing. Allele origin: germline. Affected: yes.
Comment: This variant is considered likely benign or benign based on one or more of the following criteria: it is a conservative change, it occurs at a poorly conserved position in the protein, it is predicted to be benign by multiple in silico algorithms, and/or has population frequency not consistent with disease.

Clinical Genetics, Academic Medical Center
Classification: Benign. Review status: no assertion criteria provided. Collection method: clinical testing. Allele origin: germline. Affected: yes. Study: VKGL Data-share Consensus. Not counted in ClinVar's aggregate classification.

Diagnostic Laboratory, Department of Genetics, University Medical Center Groningen
Classification: Likely benign for Congenital total pulmonary venous return anomaly. Review status: no assertion criteria provided. Collection method: clinical testing. Allele origin: germline. Affected: yes. Study: VKGL Data-share Consensus. Not counted in ClinVar's aggregate classification.

Joint Genome Diagnostic Labs from Nijmegen and Maastricht, Radboudumc and MUMC+
Classification: Benign. Review status: no assertion criteria provided. Collection method: clinical testing. Allele origin: germline. Affected: yes. Study: VKGL Data-share Consensus. Not counted in ClinVar's aggregate classification.

Literature cited by the submitters: PubMed 19608031 (cited by Women's Health and Genetics/Laboratory Corporation of America, LabCorp).